The following is an entry in ClinVar:

ClinVar aggregate classification (germline): Uncertain significance. Review status: criteria provided, multiple submitters, no conflicts (2 of 4 stars). 5 submissions from 5 submitters: Uncertain significance (5). Last evaluated 2026-01-12.

Conditions:
Hereditary cancer-predisposing syndrome. Also called: Neoplastic Syndromes, Hereditary; Hereditary Cancer Syndrome; Hereditary neoplastic syndrome; Tumor predisposition. Identifiers: Orphanet 140162, MedGen C0027672, MeSH D009386, MONDO:0015356.

Allele frequency attached by ClinVar (database versions not stated): gnomAD 0.00001; gnomAD exomes 0.00001; TOPMed 0.00002.
gnomAD v4.1: 6 of 1,613,716 alleles (0.00037%); highest among the groups gnomAD compares: South Asian, 0.0011%; no homozygotes.

Submissions (5):

Labcorp Genetics (formerly Invitae), Labcorp
Classification: Uncertain significance. Last evaluated: 2026-01-12. Review status: criteria provided, single submitter. Criteria: Invitae Variant Classification Sherloc (09022015). Collection method: clinical testing. Allele origin: germline.
Comment: This sequence change replaces threonine, which is neutral and polar, with methionine, which is neutral and non-polar, at codon 1090 of the POLE protein (p.Thr1090Met). This variant is present in population databases (no rsID available, gnomAD 0.003%). This variant has not been reported in the literature in individuals affected with POLE-related conditions. ClinVar contains an entry for this variant (Variation ID: 540641). Invitae Evidence Modeling of protein sequence and biophysical properties (such as structural, functional, and spatial information, amino acid conservation, physicochemical variation, residue mobility, and thermodynamic stability) indicates that this missense variant is expected to disrupt POLE protein function with a positive predictive value of 80%. In summary, the available evidence is currently insufficient to determine the role of this variant in disease. Therefore, it has been classified as a Variant of Uncertain Significance.

Center for Genomic Medicine, Rigshospitalet, Copenhagen University Hospital
Classification: Uncertain significance. Last evaluated: 2025-12-29. Review status: criteria provided, single submitter. Criteria: ACMG Guidelines, 2015. Collection method: clinical testing. Allele origin: germline.

GeneDx
Classification: Uncertain significance. Last evaluated: 2024-04-30. Review status: criteria provided, single submitter. Criteria: GeneDx Variant Classification Process June 2021. Collection method: clinical testing. Allele origin: germline. Affected: yes.
Comment: Not observed at significant frequency in large population cohorts (gnomAD); In silico analysis supports that this missense variant has a deleterious effect on protein structure/function; Has not been previously published as pathogenic or benign to our knowledge

Ambry Genetics
Classification: Uncertain significance for Hereditary cancer-predisposing syndrome. Last evaluated: 2024-02-01. Review status: criteria provided, single submitter. Criteria: Ambry Variant Classification Scheme 2023. Collection method: clinical testing. Allele origin: germline.
Comment: The p.T1090M variant (also known as c.3269C>T), located in coding exon 26 of the POLE gene, results from a C to T substitution at nucleotide position 3269. The threonine at codon 1090 is replaced by methionine, an amino acid with similar properties. This amino acid position is conserved. In addition, the in silico prediction for this alteration is inconclusive. Since supporting evidence is limited at this time, the clinical significance of this alteration remains unclear.

Clinical Genetics Laboratory, Skane University Hospital Lund
Classification: Uncertain significance. Last evaluated: 2023-01-30. Review status: criteria provided, single submitter. Criteria: ACMG Guidelines, 2015. Collection method: clinical testing. Allele origin: germline. Affected: yes.

NM_006231.4(POLE):c.3269C>T (p.Thr1090Met)

Gene: POLE (DNA polymerase epsilon, catalytic subunit; minus strand). Cytogenetic location: 12q24.33.
Variant type: single nucleotide variant.
Coding change: c.3269C>T on transcript NM_006231.4 (MANE Select); coding-DNA position 3269, C replaced by T.
Protein change: p.Thr1090Met; replaces threonine 1090 with methionine.
Molecular consequence: missense variant.
Genome position (GRCh38, 1-based): chr12:132,659,301, G>A on the plus strand (C>T on the coding strand, the complement: POLE is on the minus strand). VCF-style: chr12-132659301-G-A. GRCh37 (hg19) VCF-style: chr12-133235887-G-A.
Other names: short protein forms T1090M.
Identifiers: ClinVar variation 540641 (VCV000540641.15), dbSNP rs1030360914, ClinGen allele CA246316105.
Genomic context (GRCh38, chr12:132,659,301, plus strand): 5'-ACCTGTCCGTGATGGGAGGAGCCCTCACCTCTCCGTGATGGGGGGAGCCCTCACCTCTCC[G>A]TGACAGGGGAGCCCTCGGGCTTGCGGGAGATGATGTAGCGGCAACTCAGCCCTGCATCCT-3'
Protein context (NP_006222.2, residues 1080-1100): ISRKPEGSPV[Thr1090Met]ERAIPLAIFQ